The following is an entry in ClinVar:

NM_006766.5(KAT6A):c.4819C>T (p.Gln1607Ter)

Gene: KAT6A (lysine acetyltransferase 6A; minus strand). Cytogenetic location: 8p11.21.
Variant type: single nucleotide variant.
Coding change: c.4819C>T on transcript NM_006766.5 (MANE Select); coding-DNA position 4819, C replaced by T.
Protein change: p.Gln1607Ter; replaces glutamine 1607 with a stop codon.
Molecular consequence: nonsense.
Genome position (GRCh38, 1-based): chr8:41,933,401, G>A on the plus strand (C>T on the coding strand, the complement: KAT6A is on the minus strand). VCF-style: chr8-41933401-G-A. GRCh37 (hg19) VCF-style: chr8-41790919-G-A.
Other names: short protein forms Q1607*.
Identifiers: ClinVar variation 451851 (VCV000451851.3), dbSNP rs1554679654, ClinGen allele CA371064573.

ClinVar aggregate classification (germline): Pathogenic/Likely pathogenic. Review status: criteria provided, multiple submitters, no conflicts (2 of 4 stars). 2 submissions from 2 submitters: Pathogenic (1); Likely pathogenic (1). Last evaluated 2026-08-18.

Conditions:
Inborn genetic diseases. Identifiers: MedGen C0950123, MeSH D030342.

Submissions (2):

Ambry Genetics
Classification: Pathogenic for Inborn genetic diseases. Last evaluated: 2026-08-18. Review status: criteria provided, single submitter. Criteria: Ambry Variant Classification Scheme 2023. Collection method: clinical testing. Allele origin: germline.
Comment: The c.4819C>T (p.Q1607*) alteration, located in exon 17 (coding exon 16) of the KAT6A gene, consists of a C to T substitution at nucleotide position 4819. This changes the amino acid from a glutamine (Q) to a stop codon at amino acid position 1607. This variant is not expected to trigger nonsense-mediated mRNA decay, and impacts the last 19.8% of the protein. However, premature stop codons are typically deleterious in nature, the impacted region is critical for protein function (Ambry internal data) and a significant portion of the protein is affected (Ambry internal data). This variant was not reported in population-based cohorts in the Genome Aggregation Database (gnomAD). Based on the available evidence, this alteration is classified as pathogenic.

GeneDx
Classification: Likely pathogenic. Last evaluated: 2017-09-19. Review status: criteria provided, single submitter. Criteria: GeneDx Variant Classification (06012015). Collection method: clinical testing. Allele origin: germline. Affected: yes.
Comment: The Q1607X variant in the KAT6A gene has not been reported previously as a pathogenic variant nor as a benign variant, to our knowledge. This variant is predicted to cause loss of normal protein function through protein truncation. The Q1607X variant is not observed in large population cohorts (Lek et al., 2016; 1000 Genomes Consortium et al., 2015; Exome Variant Server). We interpret Q1607X as a likely pathogenic variant.